The following is an entry in ClinVar:

ClinVar aggregate classification (germline): Uncertain significance. Review status: criteria provided, multiple submitters, no conflicts (2 of 4 stars). 3 submissions from 3 submitters: Uncertain significance (3). Last evaluated 2025-04-01.

Conditions:
Inborn genetic diseases. Identifiers: MedGen C0950123, MeSH D030342.
Pierson syndrome. Also called: MICROCORIA-CONGENITAL NEPHROTIC SYNDROME. Identifiers: Orphanet 2670, MedGen C1836876, MONDO:0012184, OMIM 609049.
LAMB2-related infantile-onset nephrotic syndrome. Also called: Nephrotic Syndrome, type 5; NEPHROTIC SYNDROME, TYPE 5, WITHOUT OCULAR ABNORMALITIES; NEPHROTIC SYNDROME, TYPE 5, WITH OCULAR ABNORMALITIES. Identifiers: Orphanet 306507, MedGen C3280113, MONDO:0013621, OMIM 614199.

Allele frequency attached by ClinVar (database versions not stated): gnomAD exomes 0.00001; gnomAD 0.00004; TOPMed 0.00004; ExAC 0.00002.
gnomAD v4.1: 13 of 1,613,340 alleles (0.00081%); highest among the groups gnomAD compares: African/African-American, 0.011%; no homozygotes.

Submissions (3):

Ambry Genetics
Classification: Uncertain significance for Inborn genetic diseases. Last evaluated: 2025-04-01. Review status: criteria provided, single submitter. Criteria: Ambry Variant Classification Scheme 2023. Collection method: clinical testing. Allele origin: germline.

Fulgent Genetics
Classification: Uncertain significance for Pierson syndrome; LAMB2-related infantile-onset nephrotic syndrome. Last evaluated: 2024-01-05. Review status: criteria provided, single submitter. Criteria: ACMG Guidelines, 2015. Collection method: clinical testing. Allele origin: germline.

Labcorp Genetics (formerly Invitae), Labcorp
Classification: Uncertain significance for LAMB2-related infantile-onset nephrotic syndrome; Pierson syndrome. Last evaluated: 2022-07-22. Review status: criteria provided, single submitter. Criteria: Invitae Variant Classification Sherloc (09022015). Collection method: clinical testing. Allele origin: germline.
Comment: In summary, the available evidence is currently insufficient to determine the role of this variant in disease. Therefore, it has been classified as a Variant of Uncertain Significance. Algorithms developed to predict the effect of sequence changes on RNA splicing suggest that this variant may create or strengthen a splice site. Algorithms developed to predict the effect of missense changes on protein structure and function (SIFT, PolyPhen-2, Align-GVGD) all suggest that this variant is likely to be tolerated. This variant has not been reported in the literature in individuals affected with LAMB2-related conditions. This variant is present in population databases (rs772743970, gnomAD 0.02%). This sequence change replaces alanine, which is neutral and non-polar, with valine, which is neutral and non-polar, at codon 1558 of the LAMB2 protein (p.Ala1558Val).

NM_002292.4(LAMB2):c.4673C>T (p.Ala1558Val)

Gene: LAMB2 (laminin subunit beta 2; minus strand). Cytogenetic location: 3p21.31.
Variant type: single nucleotide variant.
Coding change: c.4673C>T on transcript NM_002292.4 (MANE Select); coding-DNA position 4673, C replaced by T.
Protein change: p.Ala1558Val; replaces alanine 1558 with valine.
Molecular consequence: missense variant.
Genome position (GRCh38, 1-based): chr3:49,122,271, G>A on the plus strand (C>T on the coding strand, the complement: LAMB2 is on the minus strand). VCF-style: chr3-49122271-G-A. GRCh37 (hg19) VCF-style: chr3-49159704-G-A.
Other names: c.4673C>T (NM_002292.3); short protein forms A1558V.
Identifiers: ClinVar variation 2048197 (VCV002048197.6), dbSNP rs772743970, ClinGen allele CA2393736.